The following is an entry in ClinVar:

ClinVar aggregate classification (germline): Pathogenic. Review status: criteria provided, multiple submitters, no conflicts (2 of 4 stars). 2 submissions from 2 submitters: Pathogenic (2). Last evaluated 2023-06-06.

Conditions:
Marfan syndrome (MFS). Also called: Marfan syndrome type 1; Marfan's syndrome; FBN1-Related Marfan Syndrome; MARFAN SYNDROME, TYPE I; Marfan syndrome, classic. Identifiers: Orphanet 284963, Orphanet 558, MedGen C0024796, MONDO:0007947, OMIM 154700.
Familial thoracic aortic aneurysm and aortic dissection (TAAD). Also called: Thoracic aortic aneurysms and dissections. Identifiers: Orphanet 91387, MedGen C4707243, MONDO:0019625.

Submissions (2):

Labcorp Genetics (formerly Invitae), Labcorp
Classification: Pathogenic for Marfan syndrome; Familial thoracic aortic aneurysm and aortic dissection. Last evaluated: 2023-06-06. Review status: criteria provided, single submitter. Criteria: Invitae Variant Classification Sherloc (09022015). Collection method: clinical testing. Allele origin: germline.
Comment: For these reasons, this variant has been classified as Pathogenic. This sequence change replaces cysteine, which is neutral and slightly polar, with phenylalanine, which is neutral and non-polar, at codon 2429 of the FBN1 protein (p.Cys2429Phe). This variant is not present in population databases (gnomAD no frequency). This missense change has been observed in individual(s) with FBN1-related conditions (Invitae). ClinVar contains an entry for this variant (Variation ID: 1325452). Advanced modeling of protein sequence and biophysical properties (such as structural, functional, and spatial information, amino acid conservation, physicochemical variation, residue mobility, and thermodynamic stability) performed at Invitae indicates that this missense variant is expected to disrupt FBN1 protein function. This variant affects a cysteine residue in the EGF-like, TGFBP or hybrid motif domains of FBN1. Cysteine residues are believed to be involved in intramolecular disulfide bridges and have been shown to be important for FBN1 protein structure (PMID: 16905551, 19349279). In addition, missense substitutions affecting cysteine residues within these domains are significantly overrepresented among patients with Marfan syndrome (PMID: 16571647, 17701892). This variant disrupts the p.Cys2429 amino acid residue in FBN1. Other variant(s) that disrupt this residue have been observed in individuals with FBN1-related conditions (PMID: 19293843; Invitae), which suggests that this may be a clinically significant amino acid residue.

Centre of Medical Genetics, University of Antwerp
Classification: Pathogenic for Marfan syndrome. Last evaluated: 2021-03-01. Review status: criteria provided, single submitter. Criteria: Submitter's publication. Collection method: research. Allele origin: unknown. Affected: yes.
Comment: PM2, PVS2, PP4

Literature cited by the submitters: PubMed 16905551 (cited by Labcorp Genetics (formerly Invitae), Labcorp); PubMed 19349279 (cited by Labcorp Genetics (formerly Invitae), Labcorp); PubMed 16571647 (cited by Labcorp Genetics (formerly Invitae), Labcorp); PubMed 17701892 (cited by Labcorp Genetics (formerly Invitae), Labcorp); PubMed 19293843 (cited by Labcorp Genetics (formerly Invitae), Labcorp).

NM_000138.5(FBN1):c.7286G>T (p.Cys2429Phe)

Gene: FBN1 (fibrillin 1; minus strand). Cytogenetic location: 15q21.1.
Variant type: single nucleotide variant.
Coding change: c.7286G>T on transcript NM_000138.5 (MANE Select); coding-DNA position 7286, G replaced by T.
Protein change: p.Cys2429Phe; replaces cysteine 2429 with phenylalanine.
Molecular consequence: missense variant.
Genome position (GRCh38, 1-based): chr15:48,425,783, C>A on the plus strand (G>T on the coding strand, the complement: FBN1 is on the minus strand). VCF-style: chr15-48425783-C-A. GRCh37 (hg19) VCF-style: chr15-48717980-C-A.
Other names: c.7286G>T, p.Cys2429Phe (NM_001406716.1); short protein forms C2429F.
Identifiers: ClinVar variation 1325452 (VCV001325452.5), dbSNP rs2141226916, ClinGen allele CA392328587.